The following is an entry in ClinVar:

ClinVar aggregate classification (germline): Uncertain significance (1 of 4 stars; one submission).

Conditions:
Inborn genetic diseases. Identifiers: MedGen C0950123, MeSH D030342.

gnomAD v4.1: 1 of 1,613,828 alleles (0.000062%); highest among the groups gnomAD compares: South Asian, 0.0011%; no homozygotes.

Submission:

Ambry Genetics
Classification: Uncertain significance for Inborn genetic diseases. Last evaluated: 2026-09-13. Review status: criteria provided, single submitter. Criteria: Ambry Variant Classification Scheme 2023. Collection method: clinical testing. Allele origin: germline.
Comment: The p.D1115H variant (also known as c.3343G>C), located in coding exon 1 of the SAMD9 gene, results from a G to C substitution at nucleotide position 3343. The aspartic acid at codon 1115 is replaced by histidine, an amino acid with similar properties. This amino acid position is conserved. In addition, this alteration is predicted to be tolerated by in silico analysis. Based on the available evidence, the clinical significance of this variant remains unclear.

NM_017654.4(SAMD9):c.3343G>C (p.Asp1115His)

Gene: SAMD9 (sterile alpha motif domain containing 9; minus strand). Cytogenetic location: 7q21.2.
Variant type: single nucleotide variant.
Coding change: c.3343G>C on transcript NM_017654.4 (MANE Select); coding-DNA position 3343, G replaced by C.
Protein change: p.Asp1115His; replaces aspartic acid 1115 with histidine.
Molecular consequence: missense variant.
Genome position (GRCh38, 1-based): chr7:93,102,755, C>G on the plus strand (G>C on the coding strand, the complement: SAMD9 is on the minus strand). VCF-style: chr7-93102755-C-G. GRCh37 (hg19) VCF-style: chr7-92732068-C-G.
Other names: c.3343G>C, p.Asp1115His (NM_001193307.2); short protein forms D1115H.
Identifiers: ClinVar variation 5028827 (VCV005028827.1).
Genomic context (GRCh38, chr7:93,102,755, plus strand): 5'-TCCACCATCTTATTTTACTTTTGTAGACTTGACCCAGTGTATCTGAGATATAAGAATTGT[C>G]AGGTTCTATGATTTTTGCTTGTTTTGCCCAGTTTAGAGCATTGCCAAAGTCCTTCTTTTT-3'
Protein context (NP_060124.2, residues 1105-1125): WAKQAKIIEP[Asp1115His]NSYISDTLGQ